The following is an entry in ClinVar:

ClinVar aggregate classification (germline): Benign. Review status: criteria provided, multiple submitters, no conflicts (2 of 4 stars). 5 submissions from 5 submitters: Benign (5). Last evaluated 2026-02-02.

Conditions:
Vitreoretinopathy. Also called: Vitreoretinal degeneration. Identifiers: MedGen C0344290, MONDO:0020248, HP:0007773.

Allele frequency attached by ClinVar (database versions not stated): ESP Exome Variant Server 0.01061; gnomAD 0.01920 and 0.01976; TOPMed 0.02416; ExAC 0.02467; gnomAD exomes 0.02886; 1000 Genomes Project 30x 0.03701; 1000 Genomes Project 0.03774.
gnomAD v4.1: 19,616 of 1,614,104 alleles (1.2%); highest among the groups gnomAD compares: Admixed American, 9.1%; 542 homozygotes.

Submissions (5):

Labcorp Genetics (formerly Invitae), Labcorp
Classification: Benign. Last evaluated: 2026-02-02. Review status: criteria provided, single submitter. Criteria: Invitae Variant Classification Sherloc (09022015). Collection method: clinical testing. Allele origin: germline.

Blueprint Genetics
Classification: Benign. Last evaluated: 2024-11-26. Review status: criteria provided, single submitter. Criteria: ACMG Guidelines, 2015. Collection method: clinical testing. Allele origin: germline.

GeneDx
Classification: Benign. Last evaluated: 2021-05-05. Review status: criteria provided, single submitter. Criteria: GeneDx Variant Classification Process June 2021. Collection method: clinical testing. Allele origin: germline. Affected: yes.

Illumina Laboratory Services, Illumina
Classification: Benign for Vitreoretinopathy. Last evaluated: 2018-01-12. Review status: criteria provided, single submitter. Criteria: ICSL Variant Classification Criteria 13 December 2019. Collection method: clinical testing. Allele origin: germline.
Comment: This variant was observed in the ICSL laboratory as part of a predisposition screen in an ostensibly healthy population. It had not been previously curated by ICSL or reported in the Human Gene Mutation Database (HGMD: prior to June 1st, 2018), and was therefore a candidate for classification through an automated scoring system. Utilizing variant allele frequency, disease prevalence and penetrance estimates, and inheritance mode, an automated score was calculated to assess if this variant is too frequent to cause the disease. Based on the score and internal cut-off values, a variant classified as benign is not then subjected to further curation. The score for this variant resulted in a classification of benign for this disease.

PreventionGenetics, part of Exact Sciences
Classification: Benign. Review status: criteria provided, single submitter. Criteria: ACMG Guidelines, 2015. Collection method: clinical testing. Allele origin: germline.

NM_004385.5(VCAN):c.393C>T (p.Asp131=)

Gene: VCAN (versican; plus strand). Cytogenetic location: 5q14.2.
Variant type: single nucleotide variant.
Coding change: c.393C>T on transcript NM_004385.5 (MANE Select); coding-DNA position 393, C replaced by T.
Protein change: p.Asp131=; no amino-acid change (aspartic acid 131 retained).
Molecular consequence: synonymous variant.
Genome position (GRCh38, 1-based): chr5:83,490,420, C>T. VCF-style: chr5-83490420-C-T. GRCh37 (hg19) VCF-style: chr5-82786239-C-T.
Other names: c.393C>T, p.Asp131= (NM_001126336.3, NM_001164097.2, NM_001164098.2).
Identifiers: ClinVar variation 259364 (VCV000259364.18), dbSNP rs35042106, ClinGen allele CA3332442.
Genomic context (GRCh38, chr5:83,490,420, plus strand): 5'-CGATGCCTCCCTCACTGTGGTCAAGCTGCTGGCAAGTGATGCGGGTCTTTACCGCTGTGA[C>T]GTCATGTACGGGATTGAAGACACACAAGACACGGTGTCACTGACTGTGGATGGTAAGGCT-3'
Protein context (NP_004376.2, residues 121-141): LASDAGLYRC[Asp131=]VMYGIEDTQD